The following is an entry in ClinVar:

NM_001197104.2(KMT2A):c.6861_6863del (p.Ser2289del)

Gene: KMT2A (lysine methyltransferase 2A; plus strand). Cytogenetic location: 11q23.3.
Variant type: Deletion.
Coding change: c.6861_6863del on transcript NM_001197104.2 (MANE Select); coding-DNA positions 6861 to 6863, 3 bases deleted (ATC; older notation c.6861_6863delATC).
Protein change: p.Ser2289del; deletes serine 2289.
Molecular consequence: inframe deletion.
Genome position (GRCh38, 1-based): chr11:118,502,753-118,502,755, ATC deleted; deleting any 3 consecutive bases within chr11:118,502,751-118,502,755 gives the same sequence; the c. name uses the placement nearest the transcript's 3' end. VCF-style (leftmost placement, unchanged base first): chr11-118502750-TTCA-T. GRCh37 (hg19) VCF-style: chr11-118373465-TTCA-T.
Other names: c.6852_6854del, p.Ser2286del (NM_005933.4); short protein forms S2286del, S2289del.
Identifiers: ClinVar variation 1501825 (VCV001501825.6), dbSNP rs782200648, ClinGen allele CA6304317.
Genomic context (GRCh38, chr11:118,502,750, plus strand): 5'-TTCAAATTTGCAAAGGACAGTGGTTACTGTAGGCAATAAAAACAGTCACTTGGATGGATC[TTCA>T]TCTTCAGAAATGAAGCAGTCCAGTGCTTCAGACTTGGTGTCCAAGAGCTCCTCTTTAAAG-3'

ClinVar aggregate classification (germline): Uncertain significance (1 of 4 stars; one submission).

Submission:

Labcorp Genetics (formerly Invitae), Labcorp
Classification: Uncertain significance. Last evaluated: 2025-10-02. Review status: criteria provided, single submitter. Criteria: Invitae Variant Classification Sherloc (09022015). Collection method: clinical testing. Allele origin: germline.
Comment: This variant, c.6861_6863del, results in the deletion of 1 amino acid(s) of the KMT2A protein (p.Ser2289del), but otherwise preserves the integrity of the reading frame. This variant is present in population databases (rs782200648, gnomAD 0.0009%). This variant has not been reported in the literature in individuals affected with KMT2A-related conditions. ClinVar contains an entry for this variant (Variation ID: 1501825). Experimental studies and prediction algorithms are not available or were not evaluated, and the functional significance of this variant is currently unknown. In summary, the available evidence is currently insufficient to determine the role of this variant in disease. Therefore, it has been classified as a Variant of Uncertain Significance.